The following is an entry in ClinVar:

ClinVar aggregate classification (germline): Uncertain significance. Review status: criteria provided, multiple submitters, no conflicts (2 of 4 stars). 3 submissions from 3 submitters: Uncertain significance (3). Last evaluated 2026-04-25.

Conditions:
RLBP1-related disorder. Also called: RLBP1-related disorders; RLBP1-related condition. Identifiers: MedGen CN239413.

Allele frequency attached by ClinVar (database versions not stated): ExAC 0.00001; gnomAD 0.00001; gnomAD exomes 0.00001 and 0.00002; TOPMed 0.00001.

Submissions (3):

PreventionGenetics, part of Exact Sciences
Classification: Uncertain significance for RLBP1-related condition. Last evaluated: 2026-04-25. Review status: criteria provided, single submitter. Criteria: ACMG Guidelines, 2015. Collection method: clinical testing. Allele origin: germline.
Comment: The RLBP1 c.31G>A variant is predicted to result in the amino acid substitution p.Val11Ile. To our knowledge, this variant has not been reported in the literature. This variant is reported in 0.017% of alleles in individuals of Latino descent in gnomAD. At this time, the clinical significance of this variant is uncertain due to the absence of conclusive functional and genetic evidence.

Labcorp Genetics (formerly Invitae), Labcorp
Classification: Uncertain significance. Last evaluated: 2025-12-01. Review status: criteria provided, single submitter. Criteria: Invitae Variant Classification Sherloc (09022015). Collection method: clinical testing. Allele origin: germline.
Comment: This sequence change replaces valine, which is neutral and non-polar, with isoleucine, which is neutral and non-polar, at codon 11 of the RLBP1 protein (p.Val11Ile). This variant is present in population databases (rs772224977, gnomAD 0.02%). This variant has not been reported in the literature in individuals affected with RLBP1-related conditions. ClinVar contains an entry for this variant (Variation ID: 1052067). Invitae Evidence Modeling of protein sequence and biophysical properties (such as structural, functional, and spatial information, amino acid conservation, physicochemical variation, residue mobility, and thermodynamic stability) indicates that this missense variant is not expected to disrupt RLBP1 protein function with a negative predictive value of 95%. In summary, the available evidence is currently insufficient to determine the role of this variant in disease. Therefore, it has been classified as a Variant of Uncertain Significance.

Blueprint Genetics
Classification: Uncertain significance. Last evaluated: 2019-07-25. Review status: criteria provided, single submitter. Criteria: ACMG Guidelines, 2015. Collection method: clinical testing. Allele origin: germline.

NM_000326.5(RLBP1):c.31G>A (p.Val11Ile)

Gene: RLBP1 (retinaldehyde binding protein 1; minus strand). Cytogenetic location: 15q26.1.
Variant type: single nucleotide variant.
Coding change: c.31G>A on transcript NM_000326.5 (MANE Select); coding-DNA position 31, G replaced by A.
Protein change: p.Val11Ile; replaces valine 11 with isoleucine.
Molecular consequence: missense variant.
Genome position (GRCh38, 1-based): chr15:89,218,675, C>T on the plus strand (G>A on the coding strand, the complement: RLBP1 is on the minus strand). VCF-style: chr15-89218675-C-T. GRCh37 (hg19) VCF-style: chr15-89761906-C-T.
Other names: c.31G>A (NM_000326.4); short protein forms V11I.
Identifiers: ClinVar variation 1052067 (VCV001052067.7), dbSNP rs772224977, ClinGen allele CA7722404.